The following is an entry in ClinVar:

ClinVar aggregate classification (germline): Uncertain significance. Review status: criteria provided, multiple submitters, no conflicts (2 of 4 stars). 2 submissions from 2 submitters: Uncertain significance (2). Last evaluated 2025-01-23.

Conditions:
Autosomal recessive limb-girdle muscular dystrophy type 2L (LGMDR12). Also called: Limb-girdle muscular dystrophy, type 2L; MUSCULAR DYSTROPHY, LIMB-GIRDLE, AUTOSOMAL RECESSIVE 12; Limb-Girdle Muscular Dystrophy R12 Anoctamin-5-Related (LGMD-R12). Identifiers: Orphanet 206549, MedGen C1969785, MONDO:0012652, OMIM 611307.
Gnathodiaphyseal dysplasia (GDD). Also called: GNATHODIAPHYSEAL SCLEROSIS; OSTEOGENESIS IMPERFECTA WITH UNUSUAL SKELETAL LESIONS. Identifiers: Orphanet 53697, MedGen C1833736, MONDO:0008151, OMIM 166260.

Allele frequency attached by ClinVar (database versions not stated): gnomAD exomes below 0.00001 and 0.00001; gnomAD 0.00001; ExAC 0.00002; TOPMed 0.00002; ESP Exome Variant Server 0.00008.

Submissions (2):

Labcorp Genetics (formerly Invitae), Labcorp
Classification: Uncertain significance for Autosomal recessive limb-girdle muscular dystrophy type 2L; Gnathodiaphyseal dysplasia. Last evaluated: 2025-01-23. Review status: criteria provided, single submitter. Criteria: Invitae Variant Classification Sherloc (09022015). Collection method: clinical testing. Allele origin: germline.
Comment: This sequence change replaces methionine, which is neutral and non-polar, with isoleucine, which is neutral and non-polar, at codon 332 of the ANO5 protein (p.Met332Ile). This variant is present in population databases (rs377619934, gnomAD 0.01%). This variant has not been reported in the literature in individuals affected with ANO5-related conditions. ClinVar contains an entry for this variant (Variation ID: 1386328). An algorithm developed to predict the effect of missense changes on protein structure and function outputs the following: PolyPhen-2: "Benign". The isoleucine amino acid residue is found in multiple mammalian species, which suggests that this missense change does not adversely affect protein function. Algorithms developed to predict the effect of sequence changes on RNA splicing suggest that this variant may disrupt the consensus splice site. In summary, the available evidence is currently insufficient to determine the role of this variant in disease. Therefore, it has been classified as a Variant of Uncertain Significance.

Athena Diagnostics
Classification: Uncertain significance. Last evaluated: 2024-09-23. Review status: criteria provided, single submitter. Criteria: Athena Diagnostics Criteria. Collection method: clinical testing. Allele origin: unknown.
Comment: Available data are insufficient to determine the clinical significance of the variant at this time. The frequency of this variant in the general population is uninformative in assessment of its pathogenicity. Polyphen and MutationTaster predict this amino acid change may be benign.

NM_213599.3(ANO5):c.996G>A (p.Met332Ile)

Gene: ANO5 (anoctamin 5; plus strand). Cytogenetic location: 11p14.3.
Variant type: single nucleotide variant.
Coding change: c.996G>A on transcript NM_213599.3 (MANE Select); coding-DNA position 996, G replaced by A.
Protein change: p.Met332Ile; replaces methionine 332 with isoleucine.
Molecular consequence: missense variant.
Genome position (GRCh38, 1-based): chr11:22,250,354, G>A. VCF-style: chr11-22250354-G-A. GRCh37 (hg19) VCF-style: chr11-22271900-G-A.
Other names: c.993G>A, p.Met331Ile (NM_001142649.2); c.996G>A (NM_213599.2); short protein forms M332I, M331I.
Identifiers: ClinVar variation 1386328 (VCV001386328.7), dbSNP rs377619934, ClinGen allele CA5923088.